The following is an entry in ClinVar:

ClinVar aggregate classification (germline): Uncertain significance. Review status: criteria provided, multiple submitters, no conflicts (2 of 4 stars). 4 submissions from 4 submitters: Uncertain significance (4). Last evaluated 2025-11-11.

Conditions:
Inborn genetic diseases. Identifiers: MedGen C0950123, MeSH D030342.
Dihydropyrimidine dehydrogenase deficiency (DPYDD). Also called: DPD DEFICIENCY; DPYD DEFICIENCY; Hereditary Thymine-Uraciluria. Identifiers: Orphanet 1675, MedGen C1959620, MONDO:0010130, OMIM 274270.

Allele frequency attached by ClinVar (database versions not stated): ESP Exome Variant Server 0.00008.
gnomAD v4.1: 36 of 1,612,082 alleles (0.0022%); highest among the groups gnomAD compares: African/African-American, 0.031%; no homozygotes.

Submissions (4):

Victorian Clinical Genetics Services, Murdoch Childrens Research Institute
Classification: Uncertain significance for Dihydropyrimidine dehydrogenase deficiency. Last evaluated: 2025-11-11. Review status: criteria provided, single submitter. Criteria: ACMG Guidelines, 2015. Collection method: clinical testing. Allele origin: germline. Affected: yes.
Comment: This variant is classified as VUS-3B. Evidence in support of pathogenic classification: Variant is present in gnomAD <0.01 for a recessive condition (v4: 36 heterozygote(s), 0 homozygote(s)); Heterozygous variant detected in trans with a second PATHOGENIC heterozygous variant (NM_000110.4(DPYD):c.257C>T; p.(Pro86Leu)) in a recessive disease. Additional information: Variant is predicted to result in a missense amino acid change from Arg to Gln; This variant is heterozygous; This gene is associated with autosomal recessive disease; Alternative amino acid change(s) at the same position are present in gnomAD (Highest allele count: v4: 23 heterozygote(s), 0 homozygote(s)); Previous evidence of pathogenicity for this variant is inconclusive. This variant has been classified as a VUS by several clinical laboratories in ClinVar; No published evidence of segregation with disease has been identified for this variant; Functional evidence for this variant is inconclusive. This variant has been shown to only mildly reduce the activity of DPD (PMID: 29327356); Other missense variant(s) comparable to the one identified in this case have inconclusive previous evidence for pathogenicity. p.(Arg692Trp) and p.(Arg692Leu) have been classified as VUS by clinical laboratories in ClinVar; Variant is located in the annotated dihydroorotate dehydrogenase domain (DECIPHER); Missense variant with inconclusive in silico prediction and uninformative conservation; Loss of function is a known mechanism of disease in this gene and is associated with dihydropyrimidine dehydrogenase deficiency (MIM#274270).

Genome-Nilou Lab
Classification: Uncertain significance for Dihydropyrimidine dehydrogenase deficiency. Last evaluated: 2023-04-11. Review status: criteria provided, single submitter. Criteria: ACMG Guidelines, 2015. Collection method: clinical testing. Allele origin: germline. Affected: no.

GeneDx
Classification: Uncertain significance. Last evaluated: 2022-11-10. Review status: criteria provided, single submitter. Criteria: GeneDx Variant Classification Process June 2021. Collection method: clinical testing. Allele origin: germline. Affected: yes.
Comment: In silico analysis supports that this missense variant does not alter protein structure/function; Has not been previously published as pathogenic or benign to our knowledge

Ambry Genetics
Classification: Uncertain significance for Inborn genetic diseases. Last evaluated: 2021-07-26. Review status: criteria provided, single submitter. Criteria: Ambry Variant Classification Scheme 2023. Collection method: clinical testing. Allele origin: germline.

Literature cited by the submitters: PubMed 11783493 (cited by Victorian Clinical Genetics Services, Murdoch Childrens Research Institute); PubMed 29327356 (cited by Victorian Clinical Genetics Services, Murdoch Childrens Research Institute).

NM_000110.4(DPYD):c.2075G>A (p.Arg692Gln)

Genes: DPYD (dihydropyrimidine dehydrogenase; minus strand), DPYD-AS1 (DPYD antisense RNA 1; plus strand). Cytogenetic location: 1p21.3.
Variant type: single nucleotide variant.
Coding change: c.2075G>A on transcript NM_000110.4 (MANE Select); coding-DNA position 2075, G replaced by A.
Protein change: p.Arg692Gln; replaces arginine 692 with glutamine.
Molecular consequence: missense variant. On other transcripts: non-coding transcript variant (1).
Genome position (GRCh38, 1-based): chr1:97,306,281, C>T on the plus strand (G>A on the coding strand, the complement: DPYD is on the minus strand). VCF-style: chr1-97306281-C-T. GRCh37 (hg19) VCF-style: chr1-97771837-C-T.
Other names: short protein forms R692Q.
Identifiers: ClinVar variation 2412214 (VCV002412214.5), dbSNP rs375436137, ClinGen allele CA27484739.
Genomic context (GRCh38, chr1:97,306,281, plus strand): 5'-GGGGTCAGCTTGGCAAAAAAAGGAATCTGAACAGCTTGCCTAACCCAGCGGCAGATGTTC[C>T]GCACCAGCTCTGGATCCTGTTCAAATAGGTCGGTTAAATATAGAACAAAATTAAAGAATT-3'
Protein context (NP_000101.2, residues 682-702): LACGQDPELV[Arg692Gln]NICRWVRQAV